The following is an entry in ClinVar:

ClinVar aggregate classification (germline): Uncertain significance. Review status: criteria provided, multiple submitters, no conflicts (2 of 4 stars). 2 submissions from 2 submitters: Uncertain significance (2). Last evaluated 2025-08-27.

Conditions:
Inborn genetic diseases. Identifiers: MedGen C0950123, MeSH D030342.

Allele frequency attached by ClinVar (database versions not stated): TOPMed 0.00005; ESP Exome Variant Server 0.00008; ExAC 0.00010; gnomAD exomes 0.00010; gnomAD 0.00011.
gnomAD v4.1: 162 of 1,613,762 alleles (0.01%); highest among the groups gnomAD compares: Middle Eastern, 0.033%; no homozygotes.

Submissions (2):

Ambry Genetics
Classification: Uncertain significance for Inborn genetic diseases. Last evaluated: 2025-08-27. Review status: criteria provided, single submitter. Criteria: Ambry Variant Classification Scheme 2023. Collection method: clinical testing. Allele origin: germline.

Labcorp Genetics (formerly Invitae), Labcorp
Classification: Uncertain significance. Last evaluated: 2022-09-06. Review status: criteria provided, single submitter. Criteria: Invitae Variant Classification Sherloc (09022015). Collection method: clinical testing. Allele origin: germline.
Comment: This sequence change replaces glutamic acid, which is acidic and polar, with lysine, which is basic and polar, at codon 306 of the PCK1 protein (p.Glu306Lys). This variant is present in population databases (rs201677393, gnomAD 0.1%). This variant has not been reported in the literature in individuals affected with PCK1-related conditions. Algorithms developed to predict the effect of missense changes on protein structure and function are either unavailable or do not agree on the potential impact of this missense change (SIFT: "Tolerated"; PolyPhen-2: "Probably Damaging"; Align-GVGD: "Class C0"). In summary, the available evidence is currently insufficient to determine the role of this variant in disease. Therefore, it has been classified as a Variant of Uncertain Significance.

NM_002591.4(PCK1):c.916G>A (p.Glu306Lys)

Gene: PCK1 (phosphoenolpyruvate carboxykinase 1; plus strand). Cytogenetic location: 20q13.31.
Variant type: single nucleotide variant.
Coding change: c.916G>A on transcript NM_002591.4 (MANE Select); coding-DNA position 916, G replaced by A.
Protein change: p.Glu306Lys; replaces glutamic acid 306 with lysine.
Molecular consequence: missense variant.
Genome position (GRCh38, 1-based): chr20:57,563,682, G>A. VCF-style: chr20-57563682-G-A. GRCh37 (hg19) VCF-style: chr20-56138738-G-A.
Other names: c.916G>A (NM_002591.3); short protein forms E306K.
Identifiers: ClinVar variation 2144083 (VCV002144083.4), dbSNP rs201677393, ClinGen allele CA9922205.